The following is an entry in ClinVar:

ClinVar aggregate classification (germline): Conflicting classifications of pathogenicity. Review status: criteria provided, conflicting classifications (1 of 4 stars). 2 submissions from 2 submitters: Uncertain significance (1); Likely benign (1). Last evaluated 2024-10-24.

Conditions:
Inborn genetic diseases. Identifiers: MedGen C0950123, MeSH D030342.

Allele frequency attached by ClinVar (database versions not stated): gnomAD 0.00001; TOPMed 0.00001; ExAC 0.00007.
gnomAD v4.1: 32 of 1,612,854 alleles (0.002%); highest among the groups gnomAD compares: Middle Eastern, 0.049%; no homozygotes.

Submissions (2):

Blueprint Genetics
Classification: Likely benign. Last evaluated: 2024-10-24. Review status: criteria provided, single submitter. Criteria: ACMG Guidelines, 2015. Collection method: clinical testing. Allele origin: germline.

Ambry Genetics
Classification: Uncertain significance for Inborn genetic diseases. Last evaluated: 2022-08-01. Review status: criteria provided, single submitter. Criteria: Ambry Variant Classification Scheme 2023. Collection method: clinical testing. Allele origin: germline.
Comment: The c.626+5A>G intronic alteration consists of a A to G substitution nucleotides after coding exon 5 in the TBC1D20 gene. Based on insufficient or conflicting evidence, the clinical significance of this alteration remains unclear.

NM_144628.4(TBC1D20):c.626+5A>G

Gene: TBC1D20 (TBC1 domain family member 20; minus strand). Cytogenetic location: 20p13.
Variant type: single nucleotide variant.
Coding change: c.626+5A>G on transcript NM_144628.4 (MANE Select); 5 bases into the intron after coding-DNA position 626, A replaced by G.
Molecular consequence: intron variant.
Genome position (GRCh38, 1-based): chr20:441,583, T>C on the plus strand (A>G on the coding strand, the complement: TBC1D20 is on the minus strand). VCF-style: chr20-441583-T-C. GRCh37 (hg19) VCF-style: chr20-422227-T-C.
Identifiers: ClinVar variation 2299805 (VCV002299805.3), dbSNP rs774047097, ClinGen allele CA9723589.